The following is an entry in ClinVar:

NM_004304.5(ALK):c.1785G>A (p.Trp595Ter)

Gene: ALK (ALK receptor tyrosine kinase; minus strand). Cytogenetic location: 2p23.2.
Variant type: single nucleotide variant.
Coding change: c.1785G>A on transcript NM_004304.5 (MANE Select); coding-DNA position 1785, G replaced by A.
Protein change: p.Trp595Ter; replaces tryptophan 595 with a stop codon.
Molecular consequence: nonsense.
Genome position (GRCh38, 1-based): chr2:29,296,920, C>T on the plus strand (G>A on the coding strand, the complement: ALK is on the minus strand). VCF-style: chr2-29296920-C-T. GRCh37 (hg19) VCF-style: chr2-29519786-C-T.
Other names: short protein forms W595*.
Identifiers: ClinVar variation 1429395 (VCV001429395.6), dbSNP rs2148231045, ClinGen allele CA346465945.

ClinVar aggregate classification (germline): Uncertain significance (1 of 4 stars; one submission).

Conditions:
Neuroblastoma, susceptibility to, 3. Also called: ALK-Related Neuroblastic Tumor Susceptibility. Identifiers: Orphanet 635, MedGen C2751681, MONDO:0013083, OMIM 613014.

gnomAD v4.1: 2 of 1,614,176 alleles (0.00012%); highest among the groups gnomAD compares: Non-Finnish European, 0.00017%; no homozygotes.

Submission:

Labcorp Genetics (formerly Invitae), Labcorp
Classification: Uncertain significance for Neuroblastoma, susceptibility to, 3. Last evaluated: 2023-06-22. Review status: criteria provided, single submitter. Criteria: Invitae Variant Classification Sherloc (09022015). Collection method: clinical testing. Allele origin: germline.
Comment: In summary, the available evidence is currently insufficient to determine the role of this variant in disease. Therefore, it has been classified as a Variant of Uncertain Significance. ClinVar contains an entry for this variant (Variation ID: 1429395). This variant has not been reported in the literature in individuals affected with ALK-related conditions. This variant is not present in population databases (gnomAD no frequency). This sequence change creates a premature translational stop signal (p.Trp595*) in the ALK gene. It is expected to result in an absent or disrupted protein product. However, the current clinical and genetic evidence is not sufficient to establish whether loss-of-function variants in ALK cause disease.